The following is an entry in ClinVar:

ClinVar aggregate classification (germline): Uncertain significance (1 of 4 stars; one submission).

gnomAD v4.1: 2 of 1,604,236 alleles (0.00012%); highest among the groups gnomAD compares: Non-Finnish European, 0.000085%; no homozygotes.

Submission:

Labcorp Genetics (formerly Invitae), Labcorp
Classification: Uncertain significance. Last evaluated: 2024-04-22. Review status: criteria provided, single submitter. Criteria: Invitae Variant Classification Sherloc (09022015). Collection method: clinical testing. Allele origin: germline.
Comment: This sequence change replaces serine, which is neutral and polar, with threonine, which is neutral and polar, at codon 169 of the FOXI3 protein (p.Ser169Thr). This variant is present in population databases (no rsID available, gnomAD 0.001%). This variant has not been reported in the literature in individuals affected with FOXI3-related conditions. Experimental studies and prediction algorithms are not available or were not evaluated, and the functional significance of this variant is currently unknown. In summary, the available evidence is currently insufficient to determine the role of this variant in disease. Therefore, it has been classified as a Variant of Uncertain Significance.

NM_001135649.3(FOXI3):c.506G>C (p.Ser169Thr)

Gene: FOXI3 (forkhead box I3; minus strand). Cytogenetic location: 2p11.2.
Variant type: single nucleotide variant.
Coding change: c.506G>C on transcript NM_001135649.3 (MANE Select); coding-DNA position 506, G replaced by C.
Protein change: p.Ser169Thr; replaces serine 169 with threonine.
Molecular consequence: missense variant.
Genome position (GRCh38, 1-based): chr2:88,452,030, C>G on the plus strand (G>C on the coding strand, the complement: FOXI3 is on the minus strand). VCF-style: chr2-88452030-C-G. GRCh37 (hg19) VCF-style: chr2-88751549-C-G.
Other names: short protein forms S169T.
Identifiers: ClinVar variation 3691588 (VCV003691588.2).